The following is an entry in ClinVar:

NM_173477.5(USH1G):c.463C>T (p.Arg155Trp)

Gene: USH1G (USH1 protein network component sans; minus strand). Cytogenetic location: 17q25.1.
Variant type: single nucleotide variant.
Coding change: c.463C>T on transcript NM_173477.5 (MANE Select); coding-DNA position 463, C replaced by T.
Protein change: p.Arg155Trp; replaces arginine 155 with tryptophan.
Molecular consequence: missense variant.
Genome position (GRCh38, 1-based): chr17:74,920,373, G>A on the plus strand (C>T on the coding strand, the complement: USH1G is on the minus strand). VCF-style: chr17-74920373-G-A. GRCh37 (hg19) VCF-style: chr17-72916468-G-A.
Other names: p.Arg155Trp; c.154C>T, p.Arg52Trp (NM_001282489.3); short protein forms R155W, R52W.
Identifiers: ClinVar variation 2683441 (VCV002683441.2), dbSNP rs759149374, ClinGen allele CA8754072.

ClinVar aggregate classification (germline): Uncertain significance. Review status: criteria provided, multiple submitters, no conflicts (2 of 4 stars). 2 submissions from 2 submitters: Uncertain significance (2). Last evaluated 2022-12-15.

Allele frequency attached by ClinVar (database versions not stated): gnomAD exomes 0.00001; gnomAD 0.00002; TOPMed 0.00002; ExAC 0.00005.
gnomAD v4.1: 19 of 1,612,568 alleles (0.0012%); highest among the groups gnomAD compares: East Asian, 0.0022%; no homozygotes.

Submissions (2):

Blueprint Genetics
Classification: Uncertain significance. Last evaluated: 2022-12-15. Review status: criteria provided, single submitter. Criteria: ACMG Guidelines, 2015. Collection method: clinical testing. Allele origin: germline.

Mayo Clinic Laboratories, Mayo Clinic
Classification: Uncertain significance. Last evaluated: 2022-09-16. Review status: criteria provided, single submitter. Criteria: ACMG Guidelines, 2015. Collection method: clinical testing. Allele origin: germline. Observed: 1 variant allele.
Comment: PM2